The following is an entry in ClinVar:

NM_183357.3(ADCY5):c.2045A>G (p.Asn682Ser)

Gene: ADCY5 (adenylate cyclase 5; minus strand). Cytogenetic location: 3q21.1.
Variant type: single nucleotide variant.
Coding change: c.2045A>G on transcript NM_183357.3 (MANE Select); coding-DNA position 2045, A replaced by G.
Protein change: p.Asn682Ser; replaces asparagine 682 with serine.
Molecular consequence: missense variant.
Genome position (GRCh38, 1-based): chr3:123,325,365, T>C on the plus strand (A>G on the coding strand, the complement: ADCY5 is on the minus strand). VCF-style: chr3-123325365-T-C. GRCh37 (hg19) VCF-style: chr3-123044212-T-C.
Other names: c.995A>G, p.Asn332Ser (NM_001199642.1); c.2045A>G, p.Asn682Ser (NM_001378259.1); short protein forms N332S, N682S.
Identifiers: ClinVar variation 4293566 (VCV004293566.1).
Genomic context (GRCh38, chr3:123,325,365, plus strand): 5'-CCCCACCAGCCACTCACCATCCGCTTCATCTCCTTGGACACCTGGTTGCCACCCAGGTGG[T>C]TGTAGAAGGGGCGCTCAGCCCCCCAGTGTGGTGGGTTGTGCCCGATGGAGTTGGTTCTCT-3'
Protein context (NP_899200.1, residues 672-692): PHWGAERPFY[Asn682Ser]HLGGNQVSKE

ClinVar aggregate classification (germline): Uncertain significance (1 of 4 stars; one submission).

Conditions:
Dyskinesia with orofacial involvement, autosomal dominant (DSKOD). Also called: Familial dyskinesia and facial myokymia; Dyskinesia, familial, with facial myokymia; Familial Dyskinesia with Facial Myokymia (FDFM). Identifiers: Orphanet 324588, MedGen C1847627, MONDO:0800028, OMIM 606703.

Submission:

3billion
Classification: Uncertain significance for Dyskinesia with orofacial involvement, autosomal dominant. Last evaluated: 2025-03-05. Review status: criteria provided, single submitter. Criteria: ACMG Guidelines, 2015. Collection method: clinical testing. Allele origin: germline. Affected: yes.
Comment: The variant is not observed in the gnomAD v4.1.0 dataset. Predicted Consequence/Location: Missense variant In silico tool predictions suggest damaging effect of the variant on gene or gene product [3Cnet: 0.97 (> 0.75, sensitivity 0.96 and precision 0.92)]. Therefore, this variant is classified as VUS according to the recommendation of ACMG/AMP guideline.